The following is an entry in ClinVar:

NM_001039469.3(MARK2):c.800dup (p.Tyr267Ter)

Gene: MARK2 (microtubule affinity regulating kinase 2; plus strand). Cytogenetic location: 11q13.1.
Variant type: Duplication.
Coding change: c.800dup on transcript NM_001039469.3 (MANE Select); coding-DNA position 800, one base duplicated (A; older notation c.800dupA).
Protein change: p.Tyr267Ter; replaces tyrosine 267 with a stop codon.
Molecular consequence: nonsense.
Genome position (GRCh38, 1-based): chr11:63,900,590, A duplicated. VCF-style (leftmost placement, unchanged base first): chr11-63900589-T-TA. GRCh37 (hg19) VCF-style: chr11-63668061-T-TA.
Other names: c.800dup, p.Tyr267Ter (NM_001163296.2, NM_001163297.2, NM_004954.5); c.701dup, p.Tyr234Ter (NM_017490.4); short protein forms Y234*, Y267*.
Identifiers: ClinVar variation 4845390 (VCV004845390.2).

ClinVar aggregate classification (germline): Pathogenic. Review status: criteria provided, single submitter (1 of 4 stars). 2 submissions from 1 submitter: Pathogenic (2). Last evaluated 2026-03-10.

Conditions:
MARK2-associated neurodevelopmental disorder.
Intellectual developmental disorder, autosomal dominant 76. Identifiers: MedGen C6012756, MONDO:0979575, OMIM 621285.

Submissions (2):

Institute of Human Genetics, University of Leipzig Medical Center
Classification: Pathogenic for Intellectual developmental disorder, autosomal dominant 76. Last evaluated: 2026-03-10. Review status: criteria provided, single submitter. Criteria: ACMG Guidelines, 2015. Collection method: clinical testing. Allele origin: unknown. Inheritance: Autosomal dominant inheritance. Affected: yes.
Comment: Criteria applied: PVS1,PM2

Institute of Human Genetics, University of Leipzig Medical Center
Classification: Pathogenic for MARK2-associated neurodevelopmental disorder. Last evaluated: 2026-03-10. Review status: criteria provided, single submitter. Criteria: ACMG Guidelines, 2015. Collection method: clinical testing. Allele origin: de novo. Inheritance: Autosomal dominant inheritance. Affected: yes.
Comment: Criteria applied: PVS1, PS2_MOD, PM2

Literature cited by the submitters: PubMed 39419027.